The following is an entry in ClinVar:

ClinVar aggregate classification (germline): Uncertain significance. Review status: criteria provided, multiple submitters, no conflicts (2 of 4 stars). 2 submissions from 2 submitters: Uncertain significance (2). Last evaluated 2023-03-10.

Conditions:
Hereditary cancer-predisposing syndrome. Also called: Hereditary Cancer Syndrome; Hereditary neoplastic syndrome; Neoplastic Syndromes, Hereditary; Tumor predisposition. Identifiers: Orphanet 140162, MedGen C0027672, MeSH D009386, MONDO:0015356.
Rhabdoid tumor predisposition syndrome 2 (RTPS2). Identifiers: Orphanet 231108, Orphanet 69077, MedGen C2750074, MONDO:0013224, OMIM 613325.

Submissions (2):

Ambry Genetics
Classification: Uncertain significance for Hereditary cancer-predisposing syndrome. Last evaluated: 2023-03-10. Review status: criteria provided, single submitter. Criteria: Ambry Variant Classification Scheme 2023. Collection method: clinical testing. Allele origin: germline.
Comment: The p.L407F variant (also known as c.1219C>T), located in coding exon 6 of the SMARCA4 gene, results from a C to T substitution at nucleotide position 1219. The leucine at codon 407 is replaced by phenylalanine, an amino acid with highly similar properties. This amino acid position is highly conserved in available vertebrate species. In addition, this alteration is predicted to be tolerated by in silico analysis. Missense and in-frame variants in SMARCA4 are known to cause neurodevelopmental disorders; however, such associations with rhabdoid tumor predisposition syndrome including small cell carcinoma of the ovary-hypercalcemic type (SCCOHT) are exceedingly rare (Kosho T et al. Am J Med Genet C Semin Med Genet. 2014 Sep;166C(3):262-75; Jelinic P et al. Nat Genet. 2014 May;46(5):424-6). Based on the supporting evidence, the association of this alteration with Coffin-Siris syndrome is unknown; however, the association of this alteration with rhabdoid tumor predisposition syndrome is unlikely.

Labcorp Genetics (formerly Invitae), Labcorp
Classification: Uncertain significance for Rhabdoid tumor predisposition syndrome 2. Last evaluated: 2016-10-23. Review status: criteria provided, single submitter. Criteria: Invitae Variant Classification Sherloc (09022015). Collection method: clinical testing. Allele origin: germline.
Comment: In summary, this variant is a novel missense change with uncertain impact on protein function. It has been classified as a Variant of Uncertain Significance. Algorithms developed to predict the effect of missense changes on protein structure and function do not agree on the potential impact of this missense change (SIFT: "Deleterious"; PolyPhen-2: "Possibly Damaging"; Align-GVGD: "Class C15"). This variant is not present in population databases (ExAC no frequency) and has not been reported in the literature in individuals with a SMARCA4-related disease. This sequence change replaces leucine with phenylalanine at codon 407 of the SMARCA4 protein (p.Leu407Phe). The leucine residue is highly conserved and there is a small physicochemical difference between leucine and phenylalanine.

NM_003072.5(SMARCA4):c.1219C>T (p.Leu407Phe)

Gene: SMARCA4 (SWI/SNF related BAF chromatin remodeling complex subunit ATPase 4; plus strand). Cytogenetic location: 19p13.2.
Variant type: single nucleotide variant.
Coding change: c.1219C>T on transcript NM_003072.5 (MANE Select); coding-DNA position 1219, C replaced by T.
Protein change: p.Leu407Phe; replaces leucine 407 with phenylalanine.
Molecular consequence: missense variant. On other transcripts: non-coding transcript variant (1).
Genome position (GRCh38, 1-based): chr19:10,989,417, C>T. VCF-style: chr19-10989417-C-T. GRCh37 (hg19) VCF-style: chr19-11100093-C-T.
Other names: c.1219C>T, p.Leu407Phe (NM_001128844.3, NM_001128845.2, NM_001128846.2 and 5 more transcripts); short protein forms L407F.
Identifiers: ClinVar variation 408640 (VCV000408640.10), dbSNP rs1060502078, ClinGen allele CA16615894.